The following is an entry in ClinVar:

ClinVar aggregate classification (germline): Uncertain significance. Review status: criteria provided, multiple submitters, no conflicts (2 of 4 stars). 6 submissions from 5 submitters: Uncertain significance (6). Last evaluated 2025-04-21.

Conditions:
Asphyxiating thoracic dystrophy 5 (SRTD5). Also called: SHORT-RIB THORACIC DYSPLASIA 5 WITH OR WITHOUT POLYDACTYLY; SHORT-RIB THORACIC DYSPLASIA 5 WITHOUT POLYDACTYLY. Identifiers: Orphanet 474, MedGen C3280598, MONDO:0013717, OMIM 614376.
Nephronophthisis 13 (NPHP13). Identifiers: Orphanet 655, MedGen C3280612, MONDO:0013718, OMIM 614377.
Spermatogenic failure 72 (SPGF72). Identifiers: MedGen C5676980, MONDO:0030809, OMIM 619867.
Senior-Loken syndrome 8 (SLSN8). Identifiers: Orphanet 3156, MedGen C4225376, MONDO:0014579, OMIM 616307.
Cranioectodermal dysplasia 4 (CED4). Identifiers: Orphanet 1515, MedGen C3280616, MONDO:0013719, OMIM 614378.
Inborn genetic diseases. Identifiers: MedGen C0950123, MeSH D030342.

Allele frequency attached by ClinVar (database versions not stated): ExAC 0.00002; gnomAD exomes 0.00003 and 0.00007; TOPMed 0.00005; gnomAD 0.00007.
gnomAD v4.1: 106 of 1,613,438 alleles (0.0066%); highest among the groups gnomAD compares: Non-Finnish European, 0.0083%; no homozygotes.

Submissions (6):

Mayo Clinic Laboratories, Mayo Clinic
Classification: Uncertain significance. Last evaluated: 2025-04-21. Review status: criteria provided, single submitter. Criteria: ACMG Guidelines, 2015. Collection method: clinical testing. Allele origin: germline. Observed: 1 variant allele.
Comment: BP4_moderate, PM2_supporting

Labcorp Genetics (formerly Invitae), Labcorp
Classification: Uncertain significance for Senior-Loken syndrome 8; Asphyxiating thoracic dystrophy 5. Last evaluated: 2025-01-13. Review status: criteria provided, single submitter. Criteria: Invitae Variant Classification Sherloc (09022015). Collection method: clinical testing. Allele origin: germline.
Comment: This sequence change replaces lysine, which is basic and polar, with arginine, which is basic and polar, at codon 160 of the WDR19 protein (p.Lys160Arg). This variant is present in population databases (rs756321262, gnomAD 0.007%). This variant has not been reported in the literature in individuals affected with WDR19-related conditions. ClinVar contains an entry for this variant (Variation ID: 903214). Invitae Evidence Modeling of protein sequence and biophysical properties (such as structural, functional, and spatial information, amino acid conservation, physicochemical variation, residue mobility, and thermodynamic stability) indicates that this missense variant is not expected to disrupt WDR19 protein function with a negative predictive value of 80%. In summary, the available evidence is currently insufficient to determine the role of this variant in disease. Therefore, it has been classified as a Variant of Uncertain Significance.

Fulgent Genetics
Classification: Uncertain significance for Asphyxiating thoracic dystrophy 5; Nephronophthisis 13; Cranioectodermal dysplasia 4; Senior-Loken syndrome 8; Spermatogenic failure 72. Last evaluated: 2024-03-01. Review status: criteria provided, single submitter. Criteria: ACMG Guidelines, 2015. Collection method: clinical testing. Allele origin: germline.

Ambry Genetics
Classification: Uncertain significance for Inborn genetic diseases. Last evaluated: 2023-05-23. Review status: criteria provided, single submitter. Criteria: Ambry Variant Classification Scheme 2023. Collection method: clinical testing. Allele origin: germline.

Illumina Laboratory Services, Illumina
Classification: Uncertain significance for Cranioectodermal dysplasia 4. Last evaluated: 2018-01-13. Review status: criteria provided, single submitter. Criteria: ICSL Variant Classification Criteria 13 December 2019. Collection method: clinical testing. Allele origin: germline.

Illumina Laboratory Services, Illumina
Classification: Uncertain significance for Asphyxiating thoracic dystrophy 5. Last evaluated: 2018-01-13. Review status: criteria provided, single submitter. Criteria: ICSL Variant Classification Criteria 13 December 2019. Collection method: clinical testing. Allele origin: germline.

NM_025132.4(WDR19):c.479A>G (p.Lys160Arg)

Gene: WDR19 (WD repeat domain 19; plus strand). Cytogenetic location: 4p14.
Variant type: single nucleotide variant.
Coding change: c.479A>G on transcript NM_025132.4 (MANE Select); coding-DNA position 479, A replaced by G.
Protein change: p.Lys160Arg; replaces lysine 160 with arginine.
Molecular consequence: missense variant. On other transcripts: 5 prime UTR variant (1).
Genome position (GRCh38, 1-based): chr4:39,199,550, A>G. VCF-style: chr4-39199550-A-G. GRCh37 (hg19) VCF-style: chr4-39201170-A-G.
Other names: p.Lys160Arg; c.-2A>G (NM_001317924.2); short protein forms K160R.
Identifiers: ClinVar variation 903214 (VCV000903214.15), dbSNP rs756321262, ClinGen allele CA2891630.